The following is an entry in ClinVar:

NM_002490.6(NDUFA6):c.305_306del (p.His102fs)

Gene: NDUFA6 (NADH:ubiquinone oxidoreductase subunit A6; minus strand). Cytogenetic location: 22q13.2.
Variant type: Deletion.
Coding change: c.305_306del on transcript NM_002490.6 (MANE Select); coding-DNA positions 305 to 306, 2 bases deleted (AT; older notation c.305_306delAT).
Protein change: p.His102fs; shifts the reading frame from histidine 102.
Molecular consequence: frameshift variant.
Genome position (GRCh38, 1-based): chr22:42,086,264-42,086,265, AT deleted on the plus strand (AT on the coding strand, the reverse complement: NDUFA6 is on the minus strand). VCF-style (leftmost placement, unchanged base first): chr22-42086263-CAT-C. GRCh37 (hg19) VCF-style: chr22-42482267-CAT-C.
Other names: short protein forms H102fs.
Identifiers: ClinVar variation 1898311 (VCV001898311.5), dbSNP rs1183124075, ClinGen allele CA639478204.

ClinVar aggregate classification (germline): Uncertain significance (1 of 4 stars; one submission).

Allele frequency attached by ClinVar (database versions not stated): gnomAD exomes below 0.00001; TOPMed 0.00002; gnomAD 0.00003.

Submission:

Labcorp Genetics (formerly Invitae), Labcorp
Classification: Uncertain significance. Last evaluated: 2024-10-15. Review status: criteria provided, single submitter. Criteria: Invitae Variant Classification Sherloc (09022015). Collection method: clinical testing. Allele origin: germline.
Comment: This sequence change creates a premature translational stop signal (p.His128Argfs*7) in the NDUFA6 gene. While this is not anticipated to result in nonsense mediated decay, it is expected to disrupt the last 27 amino acid(s) of the NDUFA6 protein. This variant is present in population databases (no rsID available, gnomAD 0.003%). This variant has not been reported in the literature in individuals affected with NDUFA6-related conditions. ClinVar contains an entry for this variant (Variation ID: 1898311). Experimental studies and prediction algorithms are not available or were not evaluated, and the functional significance of this variant is currently unknown. In summary, the available evidence is currently insufficient to determine the role of this variant in disease. Therefore, it has been classified as a Variant of Uncertain Significance.